The following is an entry in ClinVar:

ClinVar aggregate classification (germline): Uncertain significance. Review status: criteria provided, multiple submitters, no conflicts (2 of 4 stars). 2 submissions from 2 submitters: Uncertain significance (2). Last evaluated 2024-01-11.

Conditions:
Arginase deficiency. Also called: ARGININEMIA; ARG1 DEFICIENCY; Arginase 1 Deficiency. Identifiers: Orphanet 90, MedGen C0268548, MONDO:0008814, OMIM 207800.

Allele frequency attached by ClinVar (database versions not stated): gnomAD exomes 0.00001 and below 0.00001; TOPMed 0.00004; gnomAD 0.00007; ExAC 0.00001; ESP Exome Variant Server 0.00023.
gnomAD v4.1: 16 of 1,612,298 alleles (0.00099%); highest among the groups gnomAD compares: African/African-American, 0.017%; no homozygotes.

Submissions (2):

Women's Health and Genetics/Laboratory Corporation of America, LabCorp
Classification: Uncertain significance. Last evaluated: 2024-01-11. Review status: criteria provided, single submitter. Criteria: LabCorp Variant Classification Summary - May 2015. Collection method: clinical testing. Allele origin: germline.

Labcorp Genetics (formerly Invitae), Labcorp
Classification: Uncertain significance for Arginase deficiency. Last evaluated: 2022-08-12. Review status: criteria provided, single submitter. Criteria: Invitae Variant Classification Sherloc (09022015). Collection method: clinical testing. Allele origin: germline.
Comment: This sequence change falls in intron 6 of the ARG1 gene. It does not directly change the encoded amino acid sequence of the ARG1 protein. It affects a nucleotide within the consensus splice site. This variant is present in population databases (rs371976737, gnomAD 0.03%). This variant has not been reported in the literature in individuals affected with ARG1-related conditions. ClinVar contains an entry for this variant (Variation ID: 1355302). Variants that disrupt the consensus splice site are a relatively common cause of aberrant splicing (PMID: 17576681, 9536098). Algorithms developed to predict the effect of sequence changes on RNA splicing suggest that this variant is not likely to affect RNA splicing. In summary, the available evidence is currently insufficient to determine the role of this variant in disease. Therefore, it has been classified as a Variant of Uncertain Significance.

Literature cited by the submitters: PubMed 17576681 (cited by Labcorp Genetics (formerly Invitae), Labcorp); PubMed 9536098 (cited by Labcorp Genetics (formerly Invitae), Labcorp).

NM_000045.4(ARG1):c.665+4G>A

Genes: MED23 (mediator complex subunit 23; minus strand), ARG1 (arginase 1; plus strand). Cytogenetic location: 6q23.2.
Variant type: single nucleotide variant.
Coding change: c.665+4G>A on transcript NM_000045.4 (MANE Select); 4 bases into the intron after coding-DNA position 665, G replaced by A.
Molecular consequence: intron variant.
Genome position (GRCh38, 1-based): chr6:131,583,168, G>A. VCF-style: chr6-131583168-G-A. GRCh37 (hg19) VCF-style: chr6-131904308-G-A.
Other names: c.689+4G>A (NM_001244438.2); c.410+4G>A (NM_001369020.1); c.4077+4541C>T (NM_001270521.2); c.4095+4541C>T (NM_015979.4).
Identifiers: ClinVar variation 1355302 (VCV001355302.7), dbSNP rs371976737, ClinGen allele CA3999329.
Genomic context (GRCh38, chr6:131,583,168, plus strand): 5'-GGACAGACTAGGAATTGGCAAGGTGATGGAAGAAACACTCAGCTATCTACTAGGAAGGTA[G>A]GATTCTTTTGTGTGTGCACACATGTGTGTGCAACAGAAAAGGTTGCTACTGACAACCAAA-3'